The following is an entry in ClinVar:

NM_001080.3(ALDH5A1):c.755G>T (p.Gly252Val)

Gene: ALDH5A1 (aldehyde dehydrogenase 5 family member A1; plus strand). Cytogenetic location: 6p22.3.
Variant type: single nucleotide variant.
Coding change: c.755G>T on transcript NM_001080.3 (MANE Select); coding-DNA position 755, G replaced by T.
Protein change: p.Gly252Val; replaces glycine 252 with valine.
Molecular consequence: missense variant. On other transcripts: intron variant (1).
Genome position (GRCh38, 1-based): chr6:24,515,195, G>T. VCF-style: chr6-24515195-G-T. GRCh37 (hg19) VCF-style: chr6-24515423-G-T.
Other names: c.794G>T, p.Gly265Val (NM_170740.1); c.727-5206G>T (NM_001368954.1); short protein forms G265V, G252V.
Identifiers: ClinVar variation 1878466 (VCV001878466.3), dbSNP rs976950675, ClinGen allele CA362971567.

ClinVar aggregate classification (germline): Likely pathogenic. Review status: criteria provided, multiple submitters, no conflicts (2 of 4 stars). 2 submissions from 2 submitters: Likely pathogenic (2). Last evaluated 2023-06-24.

Conditions:
Succinate-semialdehyde dehydrogenase deficiency (SSADHD). Also called: Succinic Semialdehyde Dehydrogenase Deficiency; SSADH DEFICIENCY; 4-HYDROXYBUTYRIC ACIDURIA; GABA METABOLIC DEFECT. Identifiers: Orphanet 22, MedGen C0268631, MONDO:0010083, OMIM 271980.

gnomAD v4.1: 1 of 1,610,892 alleles (0.000062%); highest among the groups gnomAD compares: Non-Finnish European, 0.000085%; no homozygotes.

Submissions (2):

Laboratory of Metabolic Disorders, Peking University First Hospital
Classification: Likely pathogenic for Succinate-semialdehyde dehydrogenase deficiency. Last evaluated: 2023-06-24. Review status: criteria provided, single submitter. Criteria: ACMG Guidelines, 2015. Collection method: clinical testing. Allele origin: inherited. Affected: yes.

Elsea Laboratory, Baylor College of Medicine
Classification: Likely pathogenic for Succinate-semialdehyde dehydrogenase deficiency. Last evaluated: 2021-03-08. Review status: criteria provided, single submitter. Criteria: Martin et al. (J Child Neurol. 2021). Collection method: curation. Allele origin: germline. Affected: yes.
Comment: NAD binding domain

Literature cited by the submitters: PubMed 33203024 (cited by Elsea Laboratory, Baylor College of Medicine).